The following is an entry in ClinVar:

ClinVar aggregate classification (germline): Conflicting classifications of pathogenicity. Review status: criteria provided, conflicting classifications (1 of 4 stars). 6 submissions from 6 submitters: Uncertain significance (1); Likely benign (3). 2 of the submissions do not count toward it. Last evaluated 2026-02-01.

Conditions:
Epidermolysis bullosa dystrophica. Also called: Dystrophic epidermolysis bullosa, Hallopeau-Siemens type (formerly); Dystrophic epidermolysis bullosa. Identifiers: Orphanet 303, MedGen C0079294, MONDO:0006543.
COL7A1-related disorder. Also called: COL7A1-related condition; COL7A1- related disorders.
Epidermolysis bullosa dystrophica inversa, autosomal recessive. Identifiers: MedGen C2673612.

Allele frequency attached by ClinVar (database versions not stated): 1000 Genomes Project 30x 0.00016; 1000 Genomes Project 0.00020; TOPMed 0.00037; gnomAD exomes 0.00039 and 0.00063; gnomAD 0.00043 and 0.00046; ESP Exome Variant Server 0.00046; ExAC 0.00047.
gnomAD v4.1: 964 of 1,613,852 alleles (0.06%); highest among the groups gnomAD compares: Non-Finnish European, 0.078%; no homozygotes.

Submissions (6):

Labcorp Genetics (formerly Invitae), Labcorp
Classification: Likely benign. Last evaluated: 2026-02-01. Review status: criteria provided, single submitter. Criteria: Invitae Variant Classification Sherloc (09022015). Collection method: clinical testing. Allele origin: germline.

Blueprint Genetics
Classification: Likely benign. Last evaluated: 2024-10-16. Review status: criteria provided, single submitter. Criteria: ACMG Guidelines, 2015. Collection method: clinical testing. Allele origin: germline.

CeGaT Center for Human Genetics Tuebingen
Classification: Likely benign. Last evaluated: 2024-07-01. Review status: criteria provided, single submitter. Criteria: CeGaT Center For Human Genetics Tuebingen Variant Classification Criteria Version 2. Collection method: clinical testing. Allele origin: germline. Affected: yes. Observed: 1 variant allele.
Comment: COL7A1: BP4, BP7

Illumina Laboratory Services, Illumina
Classification: Uncertain significance for Dystrophic epidermolysis bullosa. Last evaluated: 2017-04-27. Review status: criteria provided, single submitter. Criteria: ICSL Variant Classification Criteria 13 December 2019. Collection method: clinical testing. Allele origin: germline.

PreventionGenetics, part of Exact Sciences
Classification: Likely benign for COL7A1-related condition. Last evaluated: 2024-03-14. Review status: no assertion criteria provided. Collection method: clinical testing. Allele origin: germline. Not counted in ClinVar's aggregate classification.
Comment: This variant is classified as likely benign based on ACMG/AMP sequence variant interpretation guidelines (Richards et al. 2015 PMID: 25741868, with internal and published modifications).

Natera, Inc.
Classification: Likely benign for Autosomal recessive epidermolysis bullosa dystrophica inversa. Last evaluated: 2020-09-16. Review status: no assertion criteria provided. Collection method: clinical testing. Allele origin: germline. Not counted in ClinVar's aggregate classification.

NM_000094.4(COL7A1):c.5769G>A (p.Glu1923=)

Gene: COL7A1 (collagen type VII alpha 1 chain; minus strand). Cytogenetic location: 3p21.31.
Variant type: single nucleotide variant.
Coding change: c.5769G>A on transcript NM_000094.4 (MANE Select); coding-DNA position 5769, G replaced by A.
Protein change: p.Glu1923=; no amino-acid change (glutamic acid 1923 retained).
Molecular consequence: synonymous variant.
Genome position (GRCh38, 1-based): chr3:48,576,403, C>T on the plus strand (G>A on the coding strand, the complement: COL7A1 is on the minus strand). VCF-style: chr3-48576403-C-T. GRCh37 (hg19) VCF-style: chr3-48613836-C-T.
Identifiers: ClinVar variation 727212 (VCV000727212.34), dbSNP rs143843471, ClinGen allele CA2379341.